The following is an entry in ClinVar:

ClinVar aggregate classification (germline): Benign (1 of 4 stars; one submission).

Allele frequency attached by ClinVar (database versions not stated): 1000 Genomes Project 0.00140; 1000 Genomes Project 30x 0.00219; gnomAD 0.00647; TOPMed 0.00690; gnomAD exomes 0.00719.
gnomAD v4.1: 2,724 of 393,488 alleles (0.69%); highest among the groups gnomAD compares: Non-Finnish European, 0.96%; 12 homozygotes.

Submission:

CeGaT Center for Human Genetics Tuebingen
Classification: Benign. Last evaluated: 2022-12-01. Review status: criteria provided, single submitter. Criteria: CeGaT Center For Human Genetics Tuebingen Variant Classification Criteria Version 2. Collection method: clinical testing. Allele origin: germline. Affected: yes. Observed: 1 variant allele.
Comment: SNTG1: BP4, BP7, BS1, BS2

NM_018967.5(SNTG1):c.1192-979A>G

Gene: SNTG1 (syntrophin gamma 1; plus strand). Cytogenetic location: 8q11.21.
Variant type: single nucleotide variant.
Coding change: c.1192-979A>G on transcript NM_018967.5 (MANE Select); 979 bases into the intron before coding-DNA position 1192, A replaced by G.
Molecular consequence: intron variant.
Genome position (GRCh38, 1-based): chr8:50,707,907, A>G. VCF-style: chr8-50707907-A-G. GRCh37 (hg19) VCF-style: chr8-51620467-A-G.
Other names: c.1192-979A>G (NM_001287813.3, NM_001321775.2, NM_001321773.2 and 4 more transcripts).
Identifiers: ClinVar variation 2658594 (VCV002658594.24), dbSNP rs75754384, ClinGen allele CA177027508.